The following is an entry in ClinVar:

NM_020937.4(FANCM):c.1224C>G (p.Asp408Glu)

Gene: FANCM (FA complementation group M; plus strand). Cytogenetic location: 14q21.2.
Variant type: single nucleotide variant.
Coding change: c.1224C>G on transcript NM_020937.4 (MANE Select); coding-DNA position 1224, C replaced by G.
Protein change: p.Asp408Glu; replaces aspartic acid 408 with glutamic acid.
Molecular consequence: missense variant.
Genome position (GRCh38, 1-based): chr14:45,154,737, C>G. VCF-style: chr14-45154737-C-G. GRCh37 (hg19) VCF-style: chr14-45623940-C-G.
Other names: c.1146C>G, p.Asp382Glu (NM_001308133.2); c.1224C>G, p.Asp408Glu (NM_001308134.2); short protein forms D408E, D382E.
Identifiers: ClinVar variation 849096 (VCV000849096.10), dbSNP rs1887060648, ClinGen allele CA389591172.

ClinVar aggregate classification (germline): Uncertain significance. Review status: criteria provided, multiple submitters, no conflicts (2 of 4 stars). 2 submissions from 2 submitters: Uncertain significance (2). Last evaluated 2025-02-22.

Conditions:
Inborn genetic diseases. Identifiers: MedGen C0950123, MeSH D030342.
Fanconi anemia (FA). Also called: Fanconi's anemia. Identifiers: Orphanet 84, MedGen C0015625, MeSH D005199, MONDO:0019391.

gnomAD v4.1: 2 of 1,603,344 alleles (0.00012%); highest among the groups gnomAD compares: Non-Finnish European, 0.00017%; no homozygotes.

Submissions (2):

Ambry Genetics
Classification: Uncertain significance for Inborn genetic diseases. Last evaluated: 2025-02-22. Review status: criteria provided, single submitter. Criteria: Ambry Variant Classification Scheme 2023. Collection method: clinical testing. Allele origin: germline.
Comment: The p.D408E variant (also known as c.1224C>G), located in coding exon 7 of the FANCM gene, results from a C to G substitution at nucleotide position 1224. The aspartic acid at codon 408 is replaced by glutamic acid, an amino acid with highly similar properties. This amino acid position is conserved. In addition, this alteration is predicted to be tolerated by in silico analysis. Based on the available evidence, the clinical significance of this variant remains unclear.

Labcorp Genetics (formerly Invitae), Labcorp
Classification: Uncertain significance for Fanconi anemia. Last evaluated: 2019-12-26. Review status: criteria provided, single submitter. Criteria: Invitae Variant Classification Sherloc (09022015). Collection method: clinical testing. Allele origin: germline.
Comment: In summary, the available evidence is currently insufficient to determine the role of this variant in disease. Therefore, it has been classified as a Variant of Uncertain Significance. Algorithms developed to predict the effect of missense changes on protein structure and function (SIFT, PolyPhen-2, Align-GVGD) all suggest that this variant is likely to be tolerated, but these predictions have not been confirmed by published functional studies and their clinical significance is uncertain. This variant has not been reported in the literature in individuals with FANCM-related conditions. This variant is not present in population databases (ExAC no frequency). This sequence change replaces aspartic acid with glutamic acid at codon 408 of the FANCM protein (p.Asp408Glu). The aspartic acid residue is moderately conserved and there is a small physicochemical difference between aspartic acid and glutamic acid.